The following is an entry in ClinVar:

NM_000138.5(FBN1):c.44T>G (p.Val15Gly)

Genes: FBN1 (fibrillin 1; minus strand), LOC130057019 (ATAC-STARR-seq lymphoblastoid silent region 6417; plus strand). Cytogenetic location: 15q21.1.
Variant type: single nucleotide variant.
Coding change: c.44T>G on transcript NM_000138.5 (MANE Select); coding-DNA position 44, T replaced by G.
Protein change: p.Val15Gly; replaces valine 15 with glycine.
Molecular consequence: missense variant.
Genome position (GRCh38, 1-based): chr15:48,644,726, A>C on the plus strand (T>G on the coding strand, the complement: FBN1 is on the minus strand). VCF-style: chr15-48644726-A-C. GRCh37 (hg19) VCF-style: chr15-48936923-A-C.
Other names: c.44T>G, p.Val15Gly (NM_001406716.1, NM_001406717.1, NM_001406718.1); short protein forms V15G.
Identifiers: ClinVar variation 1325473 (VCV001325473.2), dbSNP rs2140787791, ClinGen allele CA392453866.

ClinVar aggregate classification (germline): Uncertain significance (1 of 4 stars; one submission).

Conditions:
Marfan syndrome (MFS). Also called: Marfan syndrome type 1; Marfan's syndrome; FBN1-Related Marfan Syndrome; MARFAN SYNDROME, TYPE I; Marfan syndrome, classic. Identifiers: Orphanet 284963, Orphanet 558, MedGen C0024796, MONDO:0007947, OMIM 154700.

Submission:

Centre of Medical Genetics, University of Antwerp
Classification: Uncertain significance for Marfan syndrome. Last evaluated: 2021-03-01. Review status: criteria provided, single submitter. Criteria: Submitter's publication. Collection method: research. Allele origin: unknown. Affected: yes.
Comment: PM2, PM1, PP4